The following is an entry in ClinVar:

NM_172107.4(KCNQ2):c.136G>A (p.Glu46Lys)

Gene: KCNQ2 (potassium voltage-gated channel subfamily Q member 2; minus strand). Cytogenetic location: 20q13.33.
Variant type: single nucleotide variant.
Coding change: c.136G>A on transcript NM_172107.4 (MANE Select); coding-DNA position 136, G replaced by A.
Protein change: p.Glu46Lys; replaces glutamic acid 46 with lysine.
Molecular consequence: missense variant.
Genome position (GRCh38, 1-based): chr20:63,472,328, C>T on the plus strand (G>A on the coding strand, the complement: KCNQ2 is on the minus strand). VCF-style: chr20-63472328-C-T. GRCh37 (hg19) VCF-style: chr20-62103681-C-T.
Other names: c.136G>A, p.Glu46Lys (NM_001382235.1, NM_004518.6, NM_172106.3 and 2 more transcripts); short protein forms E46K.
Identifiers: ClinVar variation 2717666 (VCV002717666.3), dbSNP rs2516745443, ClinGen allele CA409635531.

ClinVar aggregate classification (germline): Uncertain significance (1 of 4 stars; one submission).

Conditions:
Early-infantile DEE. Also called: Early infantile epileptic encephalopathy with suppression bursts; Early infantile epileptic encephalopathy; Ohtahara syndrome. Identifiers: Orphanet 1934, MedGen C0393706, MONDO:0800491.

Submission:

Labcorp Genetics (formerly Invitae), Labcorp
Classification: Uncertain significance for Early-infantile DEE. Last evaluated: 2023-05-25. Review status: criteria provided, single submitter. Criteria: Invitae Variant Classification Sherloc (09022015). Collection method: clinical testing. Allele origin: germline.
Comment: In summary, the available evidence is currently insufficient to determine the role of this variant in disease. Therefore, it has been classified as a Variant of Uncertain Significance. This sequence change replaces glutamic acid, which is acidic and polar, with lysine, which is basic and polar, at codon 46 of the KCNQ2 protein (p.Glu46Lys). This variant is not present in population databases (gnomAD no frequency). This variant has not been reported in the literature in individuals affected with KCNQ2-related conditions. Advanced modeling of protein sequence and biophysical properties (such as structural, functional, and spatial information, amino acid conservation, physicochemical variation, residue mobility, and thermodynamic stability) performed at Invitae indicates that this missense variant is expected to disrupt KCNQ2 protein function.